The following is an entry in ClinVar:

ClinVar aggregate classification (germline): Uncertain significance (1 of 4 stars; one submission).

Conditions:
Neuronal ceroid lipofuscinosis 7 (CLN7). Also called: MFSD8-Related Neuronal Ceroid-Lipofuscinosis. Identifiers: Orphanet 168491, Orphanet 228366, MedGen C1838571, MONDO:0012588, OMIM 610951.

gnomAD v4.1: 6 of 1,613,828 alleles (0.00037%); highest among the groups gnomAD compares: Non-Finnish European, 0.00051%; no homozygotes.

Submission:

Labcorp Genetics (formerly Invitae), Labcorp
Classification: Uncertain significance for Neuronal ceroid lipofuscinosis 7. Last evaluated: 2025-03-16. Review status: criteria provided, single submitter. Criteria: Invitae Variant Classification Sherloc (09022015). Collection method: clinical testing. Allele origin: germline.
Comment: This sequence change replaces aspartic acid, which is acidic and polar, with asparagine, which is neutral and polar, at codon 16 of the MFSD8 protein (p.Asp16Asn). This variant is present in population databases (no rsID available, gnomAD 0.0009%). This variant has not been reported in the literature in individuals affected with MFSD8-related conditions. ClinVar contains an entry for this variant (Variation ID: 1398426). An algorithm developed to predict the effect of missense changes on protein structure and function (PolyPhen-2) suggests that this variant is likely to be tolerated. In summary, the available evidence is currently insufficient to determine the role of this variant in disease. Therefore, it has been classified as a Variant of Uncertain Significance.

NM_001371596.2(MFSD8):c.46G>A (p.Asp16Asn)

Gene: MFSD8 (major facilitator superfamily domain containing 8; minus strand). Cytogenetic location: 4q28.2.
Variant type: single nucleotide variant.
Coding change: c.46G>A on transcript NM_001371596.2 (MANE Select); coding-DNA position 46, G replaced by A.
Protein change: p.Asp16Asn; replaces aspartic acid 16 with asparagine.
Molecular consequence: missense variant. On other transcripts: 5 prime UTR variant (1), intron variant (2).
Genome position (GRCh38, 1-based): chr4:127,965,088, C>T on the plus strand (G>A on the coding strand, the complement: MFSD8 is on the minus strand). VCF-style: chr4-127965088-C-T. GRCh37 (hg19) VCF-style: chr4-128886243-C-T.
Other names: c.46G>A, p.Asp16Asn (NM_001363520.3, NM_001363521.3, NM_001371591.2 and 5 more transcripts); c.-88G>A (NM_001371595.1); c.-74+809G>A (NM_001410765.1, NM_001371590.2); short protein forms D16N.
Identifiers: ClinVar variation 1398426 (VCV001398426.13), dbSNP rs752624076, ClinGen allele CA358165783.